The following is an entry in ClinVar:

ClinVar aggregate classification (germline): Uncertain significance. Review status: criteria provided, multiple submitters, no conflicts (2 of 4 stars). 2 submissions from 2 submitters: Uncertain significance (2). Last evaluated 2026-08-01.

Conditions:
Inborn genetic diseases. Identifiers: MedGen C0950123, MeSH D030342.

gnomAD v4.1: 10 of 1,614,226 alleles (0.00062%); highest among the groups gnomAD compares: Non-Finnish European, 0.00085%; no homozygotes.

Submissions (2):

CeGaT Center for Human Genetics Tuebingen
Classification: Uncertain significance. Last evaluated: 2026-08-01. Review status: criteria provided, single submitter. Criteria: CeGaT Center For Human Genetics Tuebingen Variant Classification Criteria Version 2. Collection method: clinical testing. Allele origin: germline. Affected: yes. Observed: 1 variant allele.
Comment: OTOF: PM2

Ambry Genetics
Classification: Uncertain significance for Inborn genetic diseases. Last evaluated: 2024-03-28. Review status: criteria provided, single submitter. Criteria: Ambry Variant Classification Scheme 2023. Collection method: clinical testing. Allele origin: germline.

NM_194248.3(OTOF):c.4489T>C (p.Tyr1497His)

Gene: OTOF (otoferlin; minus strand). Cytogenetic location: 2p23.3.
Variant type: single nucleotide variant.
Coding change: c.4489T>C on transcript NM_194248.3 (MANE Select); coding-DNA position 4489, T replaced by C.
Protein change: p.Tyr1497His; replaces tyrosine 1497 with histidine.
Molecular consequence: missense variant.
Genome position (GRCh38, 1-based): chr2:26,466,725, A>G on the plus strand (T>C on the coding strand, the complement: OTOF is on the minus strand). VCF-style: chr2-26466725-A-G. GRCh37 (hg19) VCF-style: chr2-26689593-A-G.
Other names: c.4489T>C, p.Tyr1497His (NM_001287489.2); c.2188T>C, p.Tyr730His (NM_004802.4, NM_194323.3); c.2419T>C, p.Tyr807His (NM_194322.3); short protein forms Y730H, Y807H, Y1497H.
Identifiers: ClinVar variation 3303634 (VCV003303634.2).